The following is an entry in ClinVar:

ClinVar aggregate classification (germline): Uncertain significance (1 of 4 stars; one submission).

Conditions:
Gorlin syndrome. Also called: Basal cell nevus syndrome; Nevoid Basal Cell Carcinoma Syndrome. Identifiers: Orphanet 377, MedGen C0004779, MONDO:0007187.

Allele frequency attached by ClinVar (database versions not stated): gnomAD 0.00001.
gnomAD v4.1: 2 of 1,578,814 alleles (0.00013%); highest among the groups gnomAD compares: Admixed American, 0.0018%; no homozygotes.

Submission:

Labcorp Genetics (formerly Invitae), Labcorp
Classification: Uncertain significance for Gorlin syndrome. Last evaluated: 2024-05-26. Review status: criteria provided, single submitter. Criteria: Invitae Variant Classification Sherloc (09022015). Collection method: clinical testing. Allele origin: germline.
Comment: This sequence change replaces arginine, which is basic and polar, with lysine, which is basic and polar, at codon 32 of the PTCH1 protein (p.Arg32Lys). The frequency data for this variant in the population databases is considered unreliable, as metrics indicate poor data quality at this position in the gnomAD database. This variant has not been reported in the literature in individuals affected with PTCH1-related conditions. ClinVar contains an entry for this variant (Variation ID: 1447787). Advanced modeling of protein sequence and biophysical properties (such as structural, functional, and spatial information, amino acid conservation, physicochemical variation, residue mobility, and thermodynamic stability) performed at Invitae indicates that this missense variant is not expected to disrupt PTCH1 protein function with a negative predictive value of 95%. In summary, the available evidence is currently insufficient to determine the role of this variant in disease. Therefore, it has been classified as a Variant of Uncertain Significance.

NM_000264.5(PTCH1):c.95G>A (p.Arg32Lys)

Genes: PTCH1 (patched 1; minus strand), LOC130002133 (ATAC-STARR-seq lymphoblastoid silent region 20071; plus strand). Cytogenetic location: 9q22.32.
Variant type: single nucleotide variant.
Coding change: c.95G>A on transcript NM_000264.5 (MANE Select); coding-DNA position 95, G replaced by A.
Protein change: p.Arg32Lys; replaces arginine 32 with lysine.
Molecular consequence: missense variant. On other transcripts: non-coding transcript variant (1), intron variant (3).
Genome position (GRCh38, 1-based): chr9:95,508,267, C>T on the plus strand (G>A on the coding strand, the complement: PTCH1 is on the minus strand). VCF-style: chr9-95508267-C-T. GRCh37 (hg19) VCF-style: chr9-98270549-C-T.
Other names: c.95G>A, p.Arg32Lys (NM_001354918.2); c.199-1668G>A (NM_001083603.3); c.4-1668G>A (NM_001083602.3, NM_001354919.2); short protein forms R32K.
Identifiers: ClinVar variation 1447787 (VCV001447787.8), dbSNP rs746923835, ClinGen allele CA374121436.
Genomic context (GRCh38, chr9:95,508,267, plus strand): 5'-CGGTGCAGATAGTCCCGGTCCGGCGCGGCAGCACGGCGCAGCCCCCCCGTCCGTCTGCGC[C>T]TCCCGCCTCCAGCCGGCCGTCCCGGGGCACCGATACAGCCGCTGCCGCCGCCGCCGCGGT-3'
Protein context (NP_000255.2, residues 22-42): GAPGRPAGGG[Arg32Lys]RRRTGGLRRA